The following is an entry in ClinVar:

ClinVar aggregate classification (germline): Uncertain significance. Review status: criteria provided, multiple submitters, no conflicts (2 of 4 stars). 2 submissions from 2 submitters: Uncertain significance (2). Last evaluated 2025-12-15.

Conditions:
Inborn genetic diseases. Identifiers: MedGen C0950123, MeSH D030342.

Allele frequency attached by ClinVar (database versions not stated): gnomAD 0.00001; TOPMed 0.00006.
gnomAD v4.1: 10 of 1,565,466 alleles (0.00064%); highest among the groups gnomAD compares: Admixed American, 0.0055%; no homozygotes.

Submissions (2):

Ambry Genetics
Classification: Uncertain significance for Inborn genetic diseases. Last evaluated: 2025-12-15. Review status: criteria provided, single submitter. Criteria: Ambry Variant Classification Scheme 2023. Collection method: clinical testing. Allele origin: germline.

Labcorp Genetics (formerly Invitae), Labcorp
Classification: Uncertain significance. Last evaluated: 2022-07-17. Review status: criteria provided, single submitter. Criteria: Invitae Variant Classification Sherloc (09022015). Collection method: clinical testing. Allele origin: germline.
Comment: This sequence change replaces leucine, which is neutral and non-polar, with glutamine, which is neutral and polar, at codon 23 of the OSTM1 protein (p.Leu23Gln). This variant is not present in population databases (gnomAD no frequency). This variant has not been reported in the literature in individuals affected with OSTM1-related conditions. Algorithms developed to predict the effect of missense changes on protein structure and function are either unavailable or do not agree on the potential impact of this missense change (SIFT: "Tolerated"; PolyPhen-2: "Possibly Damaging"; Align-GVGD: "Class C0"). In summary, the available evidence is currently insufficient to determine the role of this variant in disease. Therefore, it has been classified as a Variant of Uncertain Significance.

NM_014028.4(OSTM1):c.68T>A (p.Leu23Gln)

Genes: OSTM1 (osteoclastogenesis associated transmembrane protein 1; minus strand), LOC129996933 (ATAC-STARR-seq lymphoblastoid silent region 17446; plus strand). Cytogenetic location: 6q21.
Variant type: single nucleotide variant.
Coding change: c.68T>A on transcript NM_014028.4 (MANE Select); coding-DNA position 68, T replaced by A.
Protein change: p.Leu23Gln; replaces leucine 23 with glutamine.
Molecular consequence: missense variant.
Genome position (GRCh38, 1-based): chr6:108,074,584, A>T on the plus strand (T>A on the coding strand, the complement: OSTM1 is on the minus strand). VCF-style: chr6-108074584-A-T. GRCh37 (hg19) VCF-style: chr6-108395788-A-T.
Other names: c.68T>A (NM_014028.3); short protein forms L23Q.
Identifiers: ClinVar variation 2071807 (VCV002071807.3), dbSNP rs759517954, ClinGen allele CA145661201.